The following is an entry in ClinVar:

NM_002350.4(LYN):c.402A>G (p.Ile134Met)

Gene: LYN (LYN proto-oncogene, Src family tyrosine kinase; plus strand). Cytogenetic location: 8q12.1.
Variant type: single nucleotide variant.
Coding change: c.402A>G on transcript NM_002350.4 (MANE Select); coding-DNA position 402, A replaced by G.
Protein change: p.Ile134Met; replaces isoleucine 134 with methionine.
Molecular consequence: missense variant.
Genome position (GRCh38, 1-based): chr8:55,950,699, A>G. VCF-style: chr8-55950699-A-G. GRCh37 (hg19) VCF-style: chr8-56863258-A-G.
Other names: c.339A>G, p.Ile113Met (NM_001111097.3); short protein forms I134M, I113M.
Identifiers: ClinVar variation 3652992 (VCV003652992.2).
Genomic context (GRCh38, chr8:55,950,699, plus strand): 5'-CGTGGAACATAATATGCAGGAAATGTTGAAATGTCTTCACAGGTGGTTTTTCAAGGATAT[A>G]ACCAGGAAGGACGCAGAAAGGCAGCTTTTGGCACCAGGAAATAGCGCTGGAGCTTTCCTT-3'
Protein context (NP_002341.1, residues 124-144): LETEEWFFKD[Ile134Met]TRKDAERQLL

ClinVar aggregate classification (germline): Uncertain significance (1 of 4 stars; one submission).

gnomAD v4.1: 2 of 1,613,852 alleles (0.00012%); highest among the groups gnomAD compares: Non-Finnish European, 0.00017%; no homozygotes.

Submission:

Labcorp Genetics (formerly Invitae), Labcorp
Classification: Uncertain significance. Last evaluated: 2024-05-10. Review status: criteria provided, single submitter. Criteria: Invitae Variant Classification Sherloc (09022015). Collection method: clinical testing. Allele origin: germline.
Comment: This sequence change replaces isoleucine, which is neutral and non-polar, with methionine, which is neutral and non-polar, at codon 134 of the LYN protein (p.Ile134Met). This variant is not present in population databases (gnomAD no frequency). This variant has not been reported in the literature in individuals affected with LYN-related conditions. An algorithm developed to predict the effect of missense changes on protein structure and function (PolyPhen-2) suggests that this variant is likely to be disruptive. In summary, the available evidence is currently insufficient to determine the role of this variant in disease. Therefore, it has been classified as a Variant of Uncertain Significance.